The following is an entry in ClinVar:

NM_015102.5(NPHP4):c.1406G>A (p.Arg469Gln)

Gene: NPHP4 (nephrocystin 4; minus strand). Cytogenetic location: 1p36.31.
Variant type: single nucleotide variant.
Coding change: c.1406G>A on transcript NM_015102.5 (MANE Select); coding-DNA position 1406, G replaced by A.
Protein change: p.Arg469Gln; replaces arginine 469 with glutamine.
Molecular consequence: missense variant. On other transcripts: non-coding transcript variant (1).
Genome position (GRCh38, 1-based): chr1:5,927,684, C>T on the plus strand (G>A on the coding strand, the complement: NPHP4 is on the minus strand). VCF-style: chr1-5927684-C-T. GRCh37 (hg19) VCF-style: chr1-5987744-C-T.
Other names: c.40G>A, p.Gly14Ser (NM_001291593.2, NM_001291594.2); short protein forms G14S, R469Q.
Identifiers: ClinVar variation 846945 (VCV000846945.9), dbSNP rs1320696639, ClinGen allele CA338059872.
Genomic context (GRCh38, chr1:5,927,684, plus strand): 5'-CAGTCAGCTCTCTGGAAACACTTACTCGAAGGGGACGTGGGTGGTTTCCTGGAAGGCCGC[C>T]GCTCCACTTTGGGGCCACTGACAGGCTCCGTGGGTGCATCCAGGTGTTCTTCTGAGCCCA-3'
Protein context (NP_055917.1, residues 459-479): TEPVSGPKVE[Arg469Gln]RPSRKPPTSP

ClinVar aggregate classification (germline): Uncertain significance. Review status: criteria provided, multiple submitters, no conflicts (2 of 4 stars). 3 submissions from 3 submitters: Uncertain significance (3). Last evaluated 2025-03-26.

Conditions:
Senior-Loken syndrome 4 (SLSN4). Identifiers: Orphanet 3156, MedGen C1846979, MONDO:0011756, OMIM 606996.
Nephronophthisis 4 (NPHP4). Also called: NEPHRONOPHTHISIS 4, JUVENILE. Identifiers: Orphanet 655, MedGen C1847013, MONDO:0011752, OMIM 606966.
NPHP4-related disorder. Also called: NPHP4-related condition; NPHP4-related disorders. Identifiers: MedGen CN239384.
Nephronophthisis. Also called: Juvenile Nephronophthisis. Identifiers: Orphanet 655, MedGen C0687120, MONDO:0019005, HP:0000090.

Allele frequency attached by ClinVar (database versions not stated): gnomAD 0.00001 and 0.00003; gnomAD exomes 0.00001; TOPMed 0.00005.
gnomAD v4.1: 14 of 1,612,584 alleles (0.00087%); highest among the groups gnomAD compares: Admixed American, 0.0067%; no homozygotes.

Submissions (3):

PreventionGenetics, part of Exact Sciences
Classification: Uncertain significance for NPHP4-related condition. Last evaluated: 2025-03-26. Review status: criteria provided, single submitter. Criteria: ACMG Guidelines, 2015. Collection method: clinical testing. Allele origin: germline.
Comment: The NPHP4 c.1406G>A variant is predicted to result in the amino acid substitution p.Arg469Gln. To our knowledge, this variant has not been reported in the literature. This variant is reported in 0.0058% of alleles in individuals of Latino descent in gnomAD. At this time, the clinical significance of this variant is uncertain due to the absence of conclusive functional and genetic evidence.

Fulgent Genetics
Classification: Uncertain significance for Nephronophthisis 4; Senior-Loken syndrome 4. Last evaluated: 2021-12-28. Review status: criteria provided, single submitter. Criteria: ACMG Guidelines, 2015. Collection method: clinical testing. Allele origin: unknown.

Labcorp Genetics (formerly Invitae), Labcorp
Classification: Uncertain significance for Nephronophthisis. Last evaluated: 2021-08-31. Review status: criteria provided, single submitter. Criteria: Invitae Variant Classification Sherloc (09022015). Collection method: clinical testing. Allele origin: germline.
Comment: This sequence change replaces arginine with glutamine at codon 469 of the NPHP4 protein (p.Arg469Gln). The arginine residue is moderately conserved and there is a small physicochemical difference between arginine and glutamine. This variant is not present in population databases (ExAC no frequency). This variant has not been reported in the literature in individuals affected with NPHP4-related conditions. ClinVar contains an entry for this variant (Variation ID: 846945). Algorithms developed to predict the effect of missense changes on protein structure and function output the following: SIFT: "Tolerated"; PolyPhen-2: "Benign"; Align-GVGD: "Class C0". The glutamine amino acid residue is found in multiple mammalian species, which suggests that this missense change does not adversely affect protein function. In summary, the available evidence is currently insufficient to determine the role of this variant in disease. Therefore, it has been classified as a Variant of Uncertain Significance.